The following is an entry in ClinVar:

NM_005732.4(RAD50):c.1593T>A (p.His531Gln)

Gene: RAD50 (RAD50 double strand break repair protein; plus strand). Cytogenetic location: 5q31.1.
Variant type: single nucleotide variant.
Coding change: c.1593T>A on transcript NM_005732.4 (MANE Select); coding-DNA position 1593, T replaced by A.
Protein change: p.His531Gln; replaces histidine 531 with glutamine.
Molecular consequence: missense variant.
Genome position (GRCh38, 1-based): chr5:132,591,364, T>A. VCF-style: chr5-132591364-T-A. GRCh37 (hg19) VCF-style: chr5-131927056-T-A.
Other names: short protein forms H531Q.
Identifiers: ClinVar variation 3942155 (VCV003942155.1).
Genomic context (GRCh38, chr5:132,591,364, plus strand): 5'-AGCAGACTTAGACAGGACCCTGCGTAAACTTGACCAGGAGATGGAGCAGTTAAACCATCA[T>A]ACAACAACACGTACCCAAATGGAGATGCTGACCAAAGACAAAGTATGATTTTTCTTTTTG-3'
Protein context (NP_005723.2, residues 521-541): LDQEMEQLNH[His531Gln]TTTRTQMEML

ClinVar aggregate classification (germline): Uncertain significance (1 of 4 stars; one submission).

Conditions:
Hereditary cancer-predisposing syndrome. Also called: Tumor predisposition; Hereditary neoplastic syndrome; Hereditary Cancer Syndrome; Neoplastic Syndromes, Hereditary. Identifiers: Orphanet 140162, MedGen C0027672, MeSH D009386, MONDO:0015356.

Submission:

Ambry Genetics
Classification: Uncertain significance for Hereditary cancer-predisposing syndrome. Last evaluated: 2025-03-18. Review status: criteria provided, single submitter. Criteria: Ambry Variant Classification Scheme 2023. Collection method: clinical testing. Allele origin: germline.
Comment: The p.H531Q variant (also known as c.1593T>A), located in coding exon 10 of the RAD50 gene, results from a T to A substitution at nucleotide position 1593. The histidine at codon 531 is replaced by glutamine, an amino acid with highly similar properties. This amino acid position is conserved. In addition, the in silico prediction for this alteration is inconclusive. Based on the available evidence, the clinical significance of this variant remains unclear.